The following is an entry in ClinVar:

NM_001378454.1(ALMS1):c.11548-4_11549del

Gene: ALMS1 (ALMS1 centrosome and basal body associated protein; plus strand). Cytogenetic location: 2p13.1.
Variant type: Deletion.
Coding change: c.11548-4_11549del on transcript NM_001378454.1 (MANE Select); 4 bases into the intron before coding-DNA position 11548 through coding-DNA position 11549, 6 bases deleted (CTAGGT; older notation c.11548-4_11549delCTAGGT).
Molecular consequence: splice acceptor variant.
Genome position (GRCh38, 1-based): chr2:73,599,397-73,599,402, CTAGGT deleted; deleting any 6 consecutive bases within chr2:73,599,396-73,599,402 gives the same sequence; the c. name uses the placement nearest the transcript's 3' end. VCF-style (leftmost placement, unchanged base first): chr2-73599395-TTCTAGG-T. GRCh37 (hg19) VCF-style: chr2-73826522-TTCTAGG-T.
Other names: c.11548-4_11549del (NM_015120.4).
Identifiers: ClinVar variation 2811220 (VCV002811220.3), dbSNP rs2466516085, ClinGen allele CA2739271101.

ClinVar aggregate classification (germline): Likely pathogenic (1 of 4 stars; one submission).

Conditions:
Alstrom syndrome (ALMS). Identifiers: Orphanet 64, MedGen C0268425, MONDO:0008763, OMIM 203800.

Submission:

Labcorp Genetics (formerly Invitae), Labcorp
Classification: Likely pathogenic for Alstrom syndrome. Last evaluated: 2022-11-01. Review status: criteria provided, single submitter. Criteria: Invitae Variant Classification Sherloc (09022015). Collection method: clinical testing. Allele origin: germline.
Comment: In summary, the currently available evidence indicates that the variant is pathogenic, but additional data are needed to prove that conclusively. Therefore, this variant has been classified as Likely Pathogenic. Algorithms developed to predict the effect of sequence changes on RNA splicing suggest that this variant may disrupt the consensus splice site. This variant has not been reported in the literature in individuals affected with ALMS1-related conditions. This variant is not present in population databases (gnomAD no frequency). This variant results in the deletion of part of exon 17 (c.11551-4_11552del) of the ALMS1 gene. It is expected to disrupt RNA splicing. Variants that disrupt the donor or acceptor splice site typically lead to a loss of protein function (PMID: 16199547), and loss-of-function variants in ALMS1 are known to be pathogenic (PMID: 17594715).

Literature cited by the submitters: PubMed 16199547; PubMed 17594715.